The following is an entry in ClinVar:

NM_000093.5(COL5A1):c.3429G>A (p.Pro1143=)

Gene: COL5A1 (collagen type V alpha 1 chain; plus strand). Cytogenetic location: 9q34.3.
Variant type: single nucleotide variant.
Coding change: c.3429G>A on transcript NM_000093.5 (MANE Select); coding-DNA position 3429, G replaced by A.
Protein change: p.Pro1143=; no amino-acid change (proline 1143 retained).
Molecular consequence: synonymous variant.
Genome position (GRCh38, 1-based): chr9:134,809,245, G>A. VCF-style: chr9-134809245-G-A. GRCh37 (hg19) VCF-style: chr9-137701091-G-A.
Other names: c.3429G>A, p.Pro1143= (NM_001278074.1).
Identifiers: ClinVar variation 914562 (VCV000914562.12), dbSNP rs750169623, ClinGen allele CA5319853.

ClinVar aggregate classification (germline): Likely benign. Review status: criteria provided, multiple submitters, no conflicts (2 of 4 stars). 3 submissions from 3 submitters: Likely benign (3). Last evaluated 2024-10-04.

Conditions:
Ehlers-Danlos syndrome, classic type (cEDS). Identifiers: Orphanet 287, MedGen C4225429, MONDO:0007522.
Familial thoracic aortic aneurysm and aortic dissection (TAAD). Also called: Thoracic aortic aneurysms and dissections. Identifiers: Orphanet 91387, MedGen C4707243, MONDO:0019625.
Ehlers-Danlos syndrome, classic type, 1 (EDSCL1). Also called: Ehlers-Danlos syndrome, type 1; EHLERS-DANLOS SYNDROME, GRAVIS TYPE; EHLERS-DANLOS SYNDROME, SEVERE CLASSIC TYPE; EDS I; Ehlers-Danlos Syndrome, Classic Type, COL5A1-Related. Identifiers: MedGen C0268335, MONDO:0019567, OMIM 130000.

Allele frequency attached by ClinVar (database versions not stated): gnomAD exomes 0.00005 and 0.00010; gnomAD 0.00001 and below 0.00001; ExAC 0.00023; TOPMed 0.00003.
gnomAD v4.1: 78 of 1,608,350 alleles (0.0048%); highest among the groups gnomAD compares: South Asian, 0.051%; no homozygotes.

Submissions (3):

Labcorp Genetics (formerly Invitae), Labcorp
Classification: Likely benign for Ehlers-Danlos syndrome, classic type, 1. Last evaluated: 2024-10-04. Review status: criteria provided, single submitter. Criteria: Invitae Variant Classification Sherloc (09022015). Collection method: clinical testing. Allele origin: germline.

Ambry Genetics
Classification: Likely benign for Familial thoracic aortic aneurysm and aortic dissection. Last evaluated: 2019-08-20. Review status: criteria provided, single submitter. Criteria: Ambry Variant Classification Scheme 2023. Collection method: clinical testing. Allele origin: germline.

Illumina Laboratory Services, Illumina
Classification: Likely benign for Ehlers-Danlos syndrome, classic type, 1. Last evaluated: 2018-01-13. Review status: criteria provided, single submitter. Criteria: ICSL Variant Classification Criteria 13 December 2019. Collection method: clinical testing. Allele origin: germline.
Comment: This variant was observed in the ICSL laboratory as part of a predisposition screen in an ostensibly healthy population. It had not been previously curated by ICSL or reported in the Human Gene Mutation Database (HGMD: prior to June 1st, 2018), and was therefore a candidate for classification through an automated scoring system. Utilizing variant allele frequency, disease prevalence and penetrance estimates, and inheritance mode, an automated score was calculated to assess if this variant is too frequent to cause the disease. Based on the score and internal cut-off values, a variant classified as likely benign is not then subjected to further curation. The score for this variant resulted in a classification of likely benign for this disease.